The following is an entry in ClinVar:

ClinVar aggregate classification (germline): Conflicting classifications of pathogenicity. Review status: criteria provided, conflicting classifications (1 of 4 stars). 2 submissions from 2 submitters: Uncertain significance (1); Likely benign (1). Last evaluated 2023-08-19.

Conditions:
Inborn genetic diseases. Identifiers: MedGen C0950123, MeSH D030342.

Allele frequency attached by ClinVar (database versions not stated): ExAC 0.00001; gnomAD 0.00001; gnomAD exomes 0.00002; TOPMed 0.00002.
gnomAD v4.1: 24 of 1,613,824 alleles (0.0015%); highest among the groups gnomAD compares: Non-Finnish European, 0.002%; no homozygotes.

Submissions (2):

Ambry Genetics
Classification: Likely benign for Inborn genetic diseases. Last evaluated: 2023-08-19. Review status: criteria provided, single submitter. Criteria: Ambry Variant Classification Scheme 2023. Collection method: clinical testing. Allele origin: germline.

Labcorp Genetics (formerly Invitae), Labcorp
Classification: Uncertain significance. Last evaluated: 2021-12-02. Review status: criteria provided, single submitter. Criteria: Invitae Variant Classification Sherloc (09022015). Collection method: clinical testing. Allele origin: germline.
Comment: This sequence change replaces methionine, which is neutral and non-polar, with valine, which is neutral and non-polar, at codon 26 of the ATP6V1B1 protein (p.Met26Val). This variant is present in population databases (rs781815747, gnomAD 0.003%). This variant has not been reported in the literature in individuals affected with ATP6V1B1-related conditions. Algorithms developed to predict the effect of missense changes on protein structure and function output the following: SIFT: "Tolerated"; PolyPhen-2: "Benign"; Align-GVGD: "Class C0". The valine amino acid residue is found in multiple mammalian species, which suggests that this missense change does not adversely affect protein function. In summary, the available evidence is currently insufficient to determine the role of this variant in disease. Therefore, it has been classified as a Variant of Uncertain Significance.

NM_001692.4(ATP6V1B1):c.76A>G (p.Met26Val)

Gene: ATP6V1B1 (ATPase H+ transporting V1 subunit B1; plus strand). Cytogenetic location: 2p13.3.
Variant type: single nucleotide variant.
Coding change: c.76A>G on transcript NM_001692.4 (MANE Select); coding-DNA position 76, A replaced by G.
Protein change: p.Met26Val; replaces methionine 26 with valine.
Molecular consequence: missense variant.
Genome position (GRCh38, 1-based): chr2:70,936,030, A>G. VCF-style: chr2-70936030-A-G. GRCh37 (hg19) VCF-style: chr2-71163160-A-G.
Other names: c.76A>G (NM_001692.3); short protein forms M26V.
Identifiers: ClinVar variation 2074560 (VCV002074560.3), dbSNP rs781815747, ClinGen allele CA1700826.
Genomic context (GRCh38, chr2:70,936,030, plus strand): 5'-GACAGCAGGCCTGGGGGGCTCCCCGGCAGTAGCTGCAACCTAGGTGCAGCCCGAGAACAC[A>G]TGCAGGCGGTCACCCGAAACTACATCACCCACCCCCGTGTCAGTGAGTAGCCCCTCCACC-3'
Protein context (NP_001683.2, residues 16-36): SCNLGAAREH[Met26Val]QAVTRNYITH